The following is an entry in ClinVar:

ClinVar aggregate classification (germline): Uncertain significance (1 of 4 stars; one submission).

Conditions:
Joubert syndrome. Also called: Familial aplasia of the vermis; CEREBELLOPARENCHYMAL DISORDER IV; JOUBERT-BOLTSHAUSER SYNDROME. Identifiers: Orphanet 475, MedGen C5979921, MONDO:0018772.

Allele frequency attached by ClinVar (database versions not stated): ExAC below 0.00001; gnomAD 0.00002; TOPMed 0.00002.
gnomAD v4.1: 37 of 1,554,234 alleles (0.0024%); highest among the groups gnomAD compares: Non-Finnish European, 0.0029%; no homozygotes.

Submission:

Labcorp Genetics (formerly Invitae), Labcorp
Classification: Uncertain significance for Joubert syndrome. Last evaluated: 2022-08-31. Review status: criteria provided, single submitter. Criteria: Invitae Variant Classification Sherloc (09022015). Collection method: clinical testing. Allele origin: germline.
Comment: This sequence change replaces valine, which is neutral and non-polar, with methionine, which is neutral and non-polar, at codon 455 of the AHI1 protein (p.Val455Met). This variant is present in population databases (rs775076049, gnomAD 0.006%). This variant has not been reported in the literature in individuals affected with AHI1-related conditions. ClinVar contains an entry for this variant (Variation ID: 971431). Advanced modeling of protein sequence and biophysical properties (such as structural, functional, and spatial information, amino acid conservation, physicochemical variation, residue mobility, and thermodynamic stability) performed at Invitae indicates that this missense variant is not expected to disrupt AHI1 protein function. In summary, the available evidence is currently insufficient to determine the role of this variant in disease. Therefore, it has been classified as a Variant of Uncertain Significance.

NM_001134831.2(AHI1):c.1363G>A (p.Val455Met)

Gene: AHI1 (Abelson helper integration site 1; minus strand). Cytogenetic location: 6q23.3.
Variant type: single nucleotide variant.
Coding change: c.1363G>A on transcript NM_001134831.2 (MANE Select); coding-DNA position 1363, G replaced by A.
Protein change: p.Val455Met; replaces valine 455 with methionine.
Molecular consequence: missense variant.
Genome position (GRCh38, 1-based): chr6:135,453,418, C>T on the plus strand (G>A on the coding strand, the complement: AHI1 is on the minus strand). VCF-style: chr6-135453418-C-T. GRCh37 (hg19) VCF-style: chr6-135774556-C-T.
Other names: c.1363G>A, p.Val455Met (NM_001134830.2, NM_001134832.2, NM_001350503.2 and 2 more transcripts); short protein forms V455M.
Identifiers: ClinVar variation 971431 (VCV000971431.7), dbSNP rs775076049, ClinGen allele CA4012603.